The following is an entry in ClinVar:

NM_197968.4(ZMYM2):c.2116G>A (p.Glu706Lys)

Gene: ZMYM2 (zinc finger MYM-type containing 2; plus strand). Cytogenetic location: 13q12.11.
Variant type: single nucleotide variant.
Coding change: c.2116G>A on transcript NM_197968.4 (MANE Select); coding-DNA position 2116, G replaced by A.
Protein change: p.Glu706Lys; replaces glutamic acid 706 with lysine.
Molecular consequence: missense variant. On other transcripts: non-coding transcript variant (1).
Genome position (GRCh38, 1-based): chr13:20,034,401, G>A. VCF-style: chr13-20034401-G-A. GRCh37 (hg19) VCF-style: chr13-20608541-G-A.
Other names: c.2116G>A, p.Glu706Lys (NM_001190964.4, NM_001190965.4, NM_001353157.2 and 5 more transcripts); c.1921G>A, p.Glu641Lys (NM_001353161.3); c.1855G>A, p.Glu619Lys (NM_001353163.2); short protein forms E619K, E641K, E706K.
Identifiers: ClinVar variation 4070733 (VCV004070733.1).

ClinVar aggregate classification (germline): Uncertain significance (1 of 4 stars; one submission).

Submission:

GeneDx
Classification: Uncertain significance. Last evaluated: 2025-01-15. Review status: criteria provided, single submitter. Criteria: GeneDx Variant Classification Process June 2021. Collection method: clinical testing. Allele origin: germline. Affected: yes.
Comment: Not observed at significant frequency in large population cohorts (gnomAD); In silico analysis supports that this missense variant has a deleterious effect on protein structure/function; Has not been previously published as pathogenic or benign to our knowledge